The following is an entry in ClinVar:

ClinVar aggregate classification (germline): Uncertain significance. Review status: criteria provided, multiple submitters, no conflicts (2 of 4 stars). 2 submissions from 2 submitters: Uncertain significance (2). Last evaluated 2024-05-16.

Conditions:
Tumor predisposition syndrome 3 (TPDS3). Also called: Glioma susceptibility 9; LONG TELOMERE SYNDROME, POT1-RELATED; POT1 Tumor Predisposition; Melanoma, cutaneous malignant, susceptibility to, 10. Identifiers: Orphanet 618, MedGen C4014476, MONDO:0014368, OMIM 615848.
Hereditary cancer-predisposing syndrome. Also called: Tumor predisposition; Neoplastic Syndromes, Hereditary; Hereditary Cancer Syndrome; Hereditary neoplastic syndrome. Identifiers: Orphanet 140162, MedGen C0027672, MeSH D009386, MONDO:0015356.

Submissions (2):

Labcorp Genetics (formerly Invitae), Labcorp
Classification: Uncertain significance for Tumor predisposition syndrome 3. Last evaluated: 2024-05-16. Review status: criteria provided, single submitter. Criteria: Invitae Variant Classification Sherloc (09022015). Collection method: clinical testing. Allele origin: germline.
Comment: This sequence change replaces tyrosine, which is neutral and polar, with cysteine, which is neutral and slightly polar, at codon 600 of the POT1 protein (p.Tyr600Cys). This variant is not present in population databases (gnomAD no frequency). This variant has not been reported in the literature in individuals affected with POT1-related conditions. ClinVar contains an entry for this variant (Variation ID: 1780303). Advanced modeling of protein sequence and biophysical properties (such as structural, functional, and spatial information, amino acid conservation, physicochemical variation, residue mobility, and thermodynamic stability) performed at Invitae indicates that this missense variant is not expected to disrupt POT1 protein function with a negative predictive value of 80%. In summary, the available evidence is currently insufficient to determine the role of this variant in disease. Therefore, it has been classified as a Variant of Uncertain Significance.

Ambry Genetics
Classification: Uncertain significance for Hereditary cancer-predisposing syndrome. Last evaluated: 2020-01-06. Review status: criteria provided, single submitter. Criteria: Ambry Variant Classification Scheme 2023. Collection method: clinical testing. Allele origin: germline.
Comment: The p.Y600C variant (also known as c.1799A>G), located in coding exon 15 of the POT1 gene, results from an A to G substitution at nucleotide position 1799. The tyrosine at codon 600 is replaced by cysteine, an amino acid with highly dissimilar properties. This amino acid position is well conserved in available vertebrate species. In addition, this alteration is predicted to be tolerated by in silico analysis. Since supporting evidence is limited at this time, the clinical significance of this alteration remains unclear.

NM_015450.3(POT1):c.1799A>G (p.Tyr600Cys)

Gene: POT1 (protection of telomeres 1; minus strand). Cytogenetic location: 7q31.33.
Variant type: single nucleotide variant.
Coding change: c.1799A>G on transcript NM_015450.3 (MANE Select); coding-DNA position 1799, A replaced by G.
Protein change: p.Tyr600Cys; replaces tyrosine 600 with cysteine.
Molecular consequence: missense variant. On other transcripts: non-coding transcript variant (3).
Genome position (GRCh38, 1-based): chr7:124,824,068, T>C on the plus strand (A>G on the coding strand, the complement: POT1 is on the minus strand). VCF-style: chr7-124824068-T-C. GRCh37 (hg19) VCF-style: chr7-124464122-T-C.
Other names: c.1406A>G, p.Tyr469Cys (NM_001042594.2); short protein forms Y600C, Y469C.
Identifiers: ClinVar variation 1780303 (VCV001780303.7), dbSNP rs2485333383, ClinGen allele CA369061334.